The following is an entry in ClinVar:

ClinVar aggregate classification (germline): Benign. Review status: criteria provided, multiple submitters, no conflicts (2 of 4 stars). 2 submissions from 2 submitters: Benign (2). Last evaluated 2018-06-14.

Allele frequency attached by ClinVar (database versions not stated): 1000 Genomes Project 0.18770; 1000 Genomes Project 30x 0.18770; TOPMed 0.25195; gnomAD 0.27161 and 0.27479; gnomAD exomes 0.32762.
gnomAD v4.1: 500,105 of 1,556,162 alleles (32%); highest among the groups gnomAD compares: Non-Finnish European, 35%; 84,802 homozygotes.

Submissions (2):

GeneDx
Classification: Benign. Last evaluated: 2018-06-14. Review status: criteria provided, single submitter. Criteria: GeneDx Variant Classification (06012015). Collection method: clinical testing. Allele origin: germline. Affected: yes.
Comment: This variant is considered likely benign or benign based on one or more of the following criteria: it is a conservative change, it occurs at a poorly conserved position in the protein, it is predicted to be benign by multiple in silico algorithms, and/or has population frequency not consistent with disease.

Breakthrough Genomics
Classification: Benign. Review status: criteria provided, single submitter. Criteria: ACMG Guidelines, 2015. Collection method: not provided. Allele origin: germline. Inheritance: Autosomal recessive inheritance. Affected: yes.

NM_014141.6(CNTNAP2):c.3797-61A>T

Gene: CNTNAP2 (contactin associated protein 2; plus strand). Cytogenetic location: 7q36.1.
Variant type: single nucleotide variant.
Coding change: c.3797-61A>T on transcript NM_014141.6 (MANE Select); 61 bases into the intron before coding-DNA position 3797, A replaced by T.
Molecular consequence: intron variant.
Genome position (GRCh38, 1-based): chr7:148,415,356, A>T. VCF-style: chr7-148415356-A-T. GRCh37 (hg19) VCF-style: chr7-148112448-A-T.
Identifiers: ClinVar variation 670851 (VCV000670851.2), dbSNP rs55997413, ClinGen allele CA12524795.
Genomic context (GRCh38, chr7:148,415,356, plus strand): 5'-TTGGAGGTTGTGTTTTATATGGGAGAGGGCTGTGTCTGACGGAGCTGTAGTGAAGTGGGG[A>T]CAGTGTTGGAGGGACTCCCAAGCCCTGTCTAACCTCTCGTGCTTCTCCTTTCTCCGTCAG-3'